The following is an entry in ClinVar:

ClinVar aggregate classification (germline): Uncertain significance (1 of 4 stars; one submission).

Conditions:
Neutral lipid storage myopathy (NLSDM). Also called: NEUTRAL LIPID STORAGE DISEASE WITHOUT ICHTHYOSIS. Identifiers: Orphanet 98908, MedGen C1853136, MONDO:0012545, OMIM 610717.

Submission:

Labcorp Genetics (formerly Invitae), Labcorp
Classification: Uncertain significance for Neutral lipid storage myopathy. Last evaluated: 2023-07-13. Review status: criteria provided, single submitter. Criteria: Invitae Variant Classification Sherloc (09022015). Collection method: clinical testing. Allele origin: germline.
Comment: This sequence change replaces lysine, which is basic and polar, with arginine, which is basic and polar, at codon 275 of the PNPLA2 protein (p.Lys275Arg). This variant is not present in population databases (gnomAD no frequency). This variant has not been reported in the literature in individuals affected with PNPLA2-related conditions. Advanced modeling of protein sequence and biophysical properties (such as structural, functional, and spatial information, amino acid conservation, physicochemical variation, residue mobility, and thermodynamic stability) performed at Invitae indicates that this missense variant is not expected to disrupt PNPLA2 protein function. In summary, the available evidence is currently insufficient to determine the role of this variant in disease. Therefore, it has been classified as a Variant of Uncertain Significance.

NM_020376.4(PNPLA2):c.824A>G (p.Lys275Arg)

Gene: PNPLA2 (patatin like domain 2, triacylglycerol lipase; plus strand). Cytogenetic location: 11p15.5.
Variant type: single nucleotide variant.
Coding change: c.824A>G on transcript NM_020376.4 (MANE Select); coding-DNA position 824, A replaced by G.
Protein change: p.Lys275Arg; replaces lysine 275 with arginine.
Molecular consequence: missense variant.
Genome position (GRCh38, 1-based): chr11:823,760, A>G. VCF-style: chr11-823760-A-G. GRCh37 (hg19) VCF-style: chr11-823760-A-G.
Other names: short protein forms K275R.
Identifiers: ClinVar variation 2739803 (VCV002739803.3), dbSNP rs2495561621, ClinGen allele CA378981348.
Genomic context (GRCh38, chr11:823,760, plus strand): 5'-TGAACCGGCCCAACCCCTTGCTGGCGTTGCCCCCCGCCCGCCCCCACGGCCCAGAGGACA[A>G]GGACCAGGCAGTGGAGAGCGCCCAAGCGGAGGATTACTCGCAGCTGCCCGGAGAAGATCA-3'
Protein context (NP_065109.1, residues 265-285): PPARPHGPED[Lys275Arg]DQAVESAQAE